The following is an entry in ClinVar:

NM_001160372.4(TRAPPC9):c.2641C>T (p.His881Tyr)

Gene: TRAPPC9 (trafficking protein particle complex subunit 9; minus strand). Cytogenetic location: 8q24.3.
Variant type: single nucleotide variant.
Coding change: c.2641C>T on transcript NM_001160372.4 (MANE Select); coding-DNA position 2641, C replaced by T.
Protein change: p.His881Tyr; replaces histidine 881 with tyrosine.
Molecular consequence: missense variant. On other transcripts: non-coding transcript variant (1).
Genome position (GRCh38, 1-based): chr8:140,023,995, G>A on the plus strand (C>T on the coding strand, the complement: TRAPPC9 is on the minus strand). VCF-style: chr8-140023995-G-A. GRCh37 (hg19) VCF-style: chr8-141034092-G-A.
Other names: c.2614C>T, p.His872Tyr (NM_001321646.2); c.2662C>T, p.His888Tyr (NM_001374682.1); c.2641C>T, p.His881Tyr (NM_001374683.1, NM_031466.8); c.2497C>T, p.His833Tyr (NM_001374684.1); short protein forms H888Y, H872Y, H833Y, H881Y.
Identifiers: ClinVar variation 2834621 (VCV002834621.3), dbSNP rs747247140, ClinGen allele CA4893015.

ClinVar aggregate classification (germline): Uncertain significance (1 of 4 stars; one submission).

Allele frequency attached by ClinVar (database versions not stated): gnomAD exomes below 0.00001; ExAC 0.00001.
gnomAD v4.1: 1 of 1,614,124 alleles (0.000062%); highest among the groups gnomAD compares: South Asian, 0.0011%; no homozygotes.

Submission:

Labcorp Genetics (formerly Invitae), Labcorp
Classification: Uncertain significance. Last evaluated: 2025-11-17. Review status: criteria provided, single submitter. Criteria: Invitae Variant Classification Sherloc (09022015). Collection method: clinical testing. Allele origin: germline.
Comment: This sequence change replaces histidine, which is basic and polar, with tyrosine, which is neutral and polar, at codon 979 of the TRAPPC9 protein (p.His979Tyr). This variant is present in population databases (rs747247140, gnomAD 0.003%). This variant has not been reported in the literature in individuals affected with TRAPPC9-related conditions. ClinVar contains an entry for this variant (Variation ID: 2834621). An algorithm developed to predict the effect of missense changes on protein structure and function (PolyPhen-2) suggests that this variant is likely to be tolerated. In summary, the available evidence is currently insufficient to determine the role of this variant in disease. Therefore, it has been classified as a Variant of Uncertain Significance.